The following is an entry in ClinVar:

ClinVar aggregate classification (germline): Pathogenic (1 of 4 stars; one submission).

Submission:

Labcorp Genetics (formerly Invitae), Labcorp
Classification: Pathogenic. Last evaluated: 2025-07-29. Review status: criteria provided, single submitter. Criteria: Invitae Variant Classification Sherloc (09022015). Collection method: clinical testing. Allele origin: germline.
Comment: This sequence change creates a premature translational stop signal (p.Ser361Leufs*4) in the ABCA4 gene. It is expected to result in an absent or disrupted protein product. Loss-of-function variants in ABCA4 are known to be pathogenic (PMID: 10958761, 24938718, 25312043, 26780318). This variant is not present in population databases (gnomAD no frequency). This variant has not been reported in the literature in individuals affected with ABCA4-related conditions. ClinVar contains an entry for this variant (Variation ID: 953298). For these reasons, this variant has been classified as Pathogenic.

Literature cited by the submitters: PubMed 10958761; PubMed 24938718; PubMed 25312043; PubMed 26780318.

NM_000350.3(ABCA4):c.1077_1080dup (p.Ser361fs)

Gene: ABCA4 (ATP binding cassette subfamily A member 4; minus strand). Cytogenetic location: 1p22.1.
Variant type: Microsatellite.
Coding change: c.1077_1080dup on transcript NM_000350.3 (MANE Select); coding-DNA positions 1077 to 1080, 4 bases duplicated (CTAT; older notation c.1077_1080dupCTAT).
Protein change: p.Ser361fs; shifts the reading frame from serine 361.
Molecular consequence: frameshift variant.
Genome position (GRCh38, 1-based): chr1:94,080,497-94,080,500, ATAG duplicated on the plus strand (CTAT on the coding strand, the reverse complement: ABCA4 is on the minus strand); duplicating any 4 consecutive bases within chr1:94,080,497-94,080,504 gives the same sequence; the c. name uses the placement nearest the transcript's 3' end. VCF-style (leftmost placement, unchanged base first): chr1-94080496-A-AATAG. GRCh37 (hg19) VCF-style: chr1-94546052-A-AATAG.
Other names: c.1073_1076CTAT[3], p.Ser361Leufs (NM_001425324.1); short protein forms S361fs.
Identifiers: ClinVar variation 953298 (VCV000953298.7), dbSNP rs1661660701, ClinGen allele CA1181435224.